The following is an entry in ClinVar:

NM_001162501.2(TNRC6B):c.3125G>C (p.Gly1042Ala)

Gene: TNRC6B (trinucleotide repeat containing adaptor 6B; plus strand). Cytogenetic location: 22q13.1.
Variant type: single nucleotide variant.
Coding change: c.3125G>C on transcript NM_001162501.2 (MANE Select); coding-DNA position 3125, G replaced by C.
Protein change: p.Gly1042Ala; replaces glycine 1042 with alanine.
Molecular consequence: missense variant.
Genome position (GRCh38, 1-based): chr22:40,273,584, G>C. VCF-style: chr22-40273584-G-C. GRCh37 (hg19) VCF-style: chr22-40669588-G-C.
Other names: c.884G>C, p.Gly295Ala (NM_001024843.2); c.2966G>C, p.Gly989Ala (NM_015088.3); short protein forms G1042A, G295A, G989A.
Identifiers: ClinVar variation 2574530 (VCV002574530.1), dbSNP rs2517996820, ClinGen allele CA411645463.

ClinVar aggregate classification (germline): Uncertain significance (1 of 4 stars; one submission).

Submission:

GeneDx
Classification: Uncertain significance. Last evaluated: 2023-01-30. Review status: criteria provided, single submitter. Criteria: GeneDx Variant Classification Process June 2021. Collection method: clinical testing. Allele origin: germline. Affected: yes.
Comment: Has not been previously published as pathogenic or benign to our knowledge; Not observed at significant frequency in large population cohorts (gnomAD); In silico analysis supports that this missense variant does not alter protein structure/function